The following is an entry in ClinVar:

ClinVar aggregate classification (germline): Likely benign. Review status: criteria provided, single submitter (1 of 4 stars). 2 submissions from 2 submitters: Likely benign (1). 1 of the submissions does not count toward it. Last evaluated 2026-09-01.

Conditions:
SETD1B-related disorder. Also called: SETD1B-related condition.

Allele frequency attached by ClinVar (database versions not stated): 1000 Genomes Project 30x 0.00156; 1000 Genomes Project 0.00180; TOPMed 0.00280; gnomAD 0.00367; ExAC 0.00483.
gnomAD v4.1: 6,656 of 1,520,658 alleles (0.44%); highest among the groups gnomAD compares: Non-Finnish European, 0.52%; 23 homozygotes.

Submissions (2):

CeGaT Center for Human Genetics Tuebingen
Classification: Likely benign. Last evaluated: 2026-09-01. Review status: criteria provided, single submitter. Criteria: CeGaT Center For Human Genetics Tuebingen Variant Classification Criteria Version 2. Collection method: clinical testing. Allele origin: germline. Affected: yes. Observed: 33 variant alleles.
Comment: SETD1B: BP4, BS2

PreventionGenetics, part of Exact Sciences
Classification: Benign for SETD1B-related condition. Last evaluated: 2024-06-25. Review status: no assertion criteria provided. Collection method: clinical testing. Allele origin: germline. Not counted in ClinVar's aggregate classification.
Comment: This variant is classified as benign based on ACMG/AMP sequence variant interpretation guidelines (Richards et al. 2015 PMID: 25741868, with internal and published modifications).

NM_001353345.2(SETD1B):c.4150G>C (p.Gly1384Arg)

Gene: SETD1B (SET domain containing 1B, histone lysine methyltransferase; plus strand). Cytogenetic location: 12q24.31.
Variant type: single nucleotide variant.
Coding change: c.4150G>C on transcript NM_001353345.2 (MANE Select); coding-DNA position 4150, G replaced by C.
Protein change: p.Gly1384Arg; replaces glycine 1384 with arginine.
Molecular consequence: missense variant.
Genome position (GRCh38, 1-based): chr12:121,822,729, G>C. VCF-style: chr12-121822729-G-C. GRCh37 (hg19) VCF-style: chr12-122260635-G-C.
Other names: NM_015048.1:c.4021G>C; short protein forms G1384R.
Identifiers: ClinVar variation 1711357 (VCV001711357.31), dbSNP rs200348800, ClinGen allele CA6839155.